The following is an entry in ClinVar:

NM_177438.3(DICER1):c.2187T>G (p.His729Gln)

Gene: DICER1 (dicer 1, ribonuclease III; minus strand). Cytogenetic location: 14q32.13.
Variant type: single nucleotide variant.
Coding change: c.2187T>G on transcript NM_177438.3 (MANE Select); coding-DNA position 2187, T replaced by G.
Protein change: p.His729Gln; replaces histidine 729 with glutamine.
Molecular consequence: missense variant. On other transcripts: non-coding transcript variant (6).
Genome position (GRCh38, 1-based): chr14:95,111,386, A>C on the plus strand (T>G on the coding strand, the complement: DICER1 is on the minus strand). VCF-style: chr14-95111386-A-C. GRCh37 (hg19) VCF-style: chr14-95577723-A-C.
Other names: c.2187T>G, p.His729Gln (NM_001271282.3, NM_001291628.2, NM_001395677.1 and 13 more transcripts); c.1782T>G, p.His594Gln (NM_001395687.1, NM_001395688.1, NM_001395689.1 and 3 more transcripts); c.1905T>G, p.His635Gln (NM_001395686.1); c.1620T>G, p.His540Gln (NM_001395691.1); c.504T>G, p.His168Gln (NM_001395697.1); short protein forms H168Q, H540Q, H594Q, H635Q, H729Q.
Identifiers: ClinVar variation 1714665 (VCV001714665.6), dbSNP rs1891945229, ClinGen allele CA390882679.

ClinVar aggregate classification (germline): Uncertain significance (1 of 4 stars; one submission).

Conditions:
DICER1-related tumor predisposition. Also called: DICER1 syndrome; DICER1-related pleuropulmonary blastoma cancer predisposition syndrome. Identifiers: Orphanet 284343, MedGen C3839822, MONDO:0100216.

Submission:

Labcorp Genetics (formerly Invitae), Labcorp
Classification: Uncertain significance for DICER1-related tumor predisposition. Last evaluated: 2022-08-01. Review status: criteria provided, single submitter. Criteria: Invitae Variant Classification Sherloc (09022015). Collection method: clinical testing. Allele origin: germline.
Comment: This variant is not present in population databases (gnomAD no frequency). In summary, the available evidence is currently insufficient to determine the role of this variant in disease. Therefore, it has been classified as a Variant of Uncertain Significance. Algorithms developed to predict the effect of missense changes on protein structure and function are either unavailable or do not agree on the potential impact of this missense change (SIFT: "Tolerated"; PolyPhen-2: "Probably Damaging"; Align-GVGD: "Class C0"). This variant has not been reported in the literature in individuals affected with DICER1-related conditions. This sequence change replaces histidine, which is basic and polar, with glutamine, which is neutral and polar, at codon 729 of the DICER1 protein (p.His729Gln).